The following is an entry in ClinVar:

NM_016532.4(INPP5K):c.857C>A (p.Pro286His)

Gene: INPP5K (inositol polyphosphate-5-phosphatase K; minus strand). Cytogenetic location: 17p13.3.
Variant type: single nucleotide variant.
Coding change: c.857C>A on transcript NM_016532.4 (MANE Select); coding-DNA position 857, C replaced by A.
Protein change: p.Pro286His; replaces proline 286 with histidine.
Molecular consequence: missense variant.
Genome position (GRCh38, 1-based): chr17:1,498,042, G>T on the plus strand (C>A on the coding strand, the complement: INPP5K is on the minus strand). VCF-style: chr17-1498042-G-T. GRCh37 (hg19) VCF-style: chr17-1401336-G-T.
Other names: c.629C>A, p.Pro210His (NM_001135642.2, NM_130766.3); short protein forms P210H, P286H.
Identifiers: ClinVar variation 2647185 (VCV002647185.24), dbSNP rs267604750, ClinGen allele CA397538660.

ClinVar aggregate classification (germline): Likely benign (1 of 4 stars; one submission).

Allele frequency attached by ClinVar (database versions not stated): gnomAD exomes 0.00001.
gnomAD v4.1: 8 of 1,614,122 alleles (0.0005%); highest among the groups gnomAD compares: Non-Finnish European, 0.00068%; no homozygotes.

Submission:

CeGaT Center for Human Genetics Tuebingen
Classification: Likely benign. Last evaluated: 2022-07-01. Review status: criteria provided, single submitter. Criteria: CeGaT Center For Human Genetics Tuebingen Variant Classification Criteria Version 2. Collection method: clinical testing. Allele origin: germline. Affected: yes. Observed: 1 variant allele.
Comment: INPP5K: BP4